The following is an entry in ClinVar:

NM_000257.4(MYH7):c.639+1G>T

Gene: MYH7 (myosin heavy chain 7; minus strand). Cytogenetic location: 14q11.2.
Variant type: single nucleotide variant.
Coding change: c.639+1G>T on transcript NM_000257.4 (MANE Select); the canonical splice donor site of the intron after coding-DNA position 639, G replaced by T.
Molecular consequence: splice donor variant.
Genome position (GRCh38, 1-based): chr14:23,431,760, C>A on the plus strand (G>T on the coding strand, the complement: MYH7 is on the minus strand). VCF-style: chr14-23431760-C-A. GRCh37 (hg19) VCF-style: chr14-23900969-C-A.
Other names: c.639+1G>T (NM_001407004.1).
Identifiers: ClinVar variation 2644107 (VCV002644107.24), dbSNP rs2502313502, ClinGen allele CA389052362.

ClinVar aggregate classification (germline): Uncertain significance (1 of 4 stars; one submission).

Submission:

CeGaT Center for Human Genetics Tuebingen
Classification: Uncertain significance. Last evaluated: 2023-10-01. Review status: criteria provided, single submitter. Criteria: CeGaT Center For Human Genetics Tuebingen Variant Classification Criteria Version 2. Collection method: clinical testing. Allele origin: germline. Affected: yes. Observed: 1 variant allele.
Comment: MYH7: PM2, PVS1:Moderate